The following is an entry in ClinVar:

ClinVar aggregate classification (germline): Uncertain significance (1 of 4 stars; one submission).

Conditions:
Hereditary cancer-predisposing syndrome. Also called: Hereditary Cancer Syndrome; Hereditary neoplastic syndrome; Neoplastic Syndromes, Hereditary; Tumor predisposition. Identifiers: Orphanet 140162, MedGen C0027672, MeSH D009386, MONDO:0015356.

Submission:

Ambry Genetics
Classification: Uncertain significance for Hereditary cancer-predisposing syndrome. Last evaluated: 2022-01-31. Review status: criteria provided, single submitter. Criteria: Ambry Variant Classification Scheme 2023. Collection method: clinical testing. Allele origin: germline.
Comment: The p.Q436H variant (also known as c.1308A>T), located in coding exon 13 of the BAP1 gene, results from an A to T substitution at nucleotide position 1308. The glutamine at codon 436 is replaced by histidine, an amino acid with highly similar properties. This amino acid position is conserved. In addition, this alteration is predicted to be tolerated by in silico analysis. Since supporting evidence is limited at this time, the clinical significance of this alteration remains unclear.

NM_004656.4(BAP1):c.1308A>T (p.Gln436His)

Gene: BAP1 (BRCA1 associated deubiquitinase 1; minus strand). Cytogenetic location: 3p21.1.
Variant type: single nucleotide variant.
Coding change: c.1308A>T on transcript NM_004656.4 (MANE Select); coding-DNA position 1308, A replaced by T.
Protein change: p.Gln436His; replaces glutamine 436 with histidine.
Molecular consequence: missense variant.
Genome position (GRCh38, 1-based): chr3:52,403,837, T>A on the plus strand (A>T on the coding strand, the complement: BAP1 is on the minus strand). VCF-style: chr3-52403837-T-A. GRCh37 (hg19) VCF-style: chr3-52437853-T-A.
Other names: c.1254A>T, p.Gln418His (NM_001410772.1); short protein forms Q436H, Q418H.
Identifiers: ClinVar variation 1769558 (VCV001769558.2), dbSNP rs202038162, ClinGen allele CA353102200.